The following is an entry in ClinVar:

ClinVar aggregate classification (germline): Uncertain significance (1 of 4 stars; one submission).

Allele frequency attached by ClinVar (database versions not stated): gnomAD exomes below 0.00001.
gnomAD v4.1: 3 of 1,567,360 alleles (0.00019%); highest among the groups gnomAD compares: South Asian, 0.0036%; no homozygotes.

Submission:

Labcorp Genetics (formerly Invitae), Labcorp
Classification: Uncertain significance. Last evaluated: 2022-06-08. Review status: criteria provided, single submitter. Criteria: Invitae Variant Classification Sherloc (09022015). Collection method: clinical testing. Allele origin: germline.
Comment: This variant is not present in population databases (gnomAD no frequency). In summary, the available evidence is currently insufficient to determine the role of this variant in disease. Therefore, it has been classified as a Variant of Uncertain Significance. Algorithms developed to predict the effect of missense changes on protein structure and function are either unavailable or do not agree on the potential impact of this missense change (SIFT: "Tolerated"; PolyPhen-2: "Probably Damaging"; Align-GVGD: "Class C0"). This variant has not been reported in the literature in individuals affected with RARS-related conditions. This sequence change replaces phenylalanine, which is neutral and non-polar, with isoleucine, which is neutral and non-polar, at codon 280 of the RARS protein (p.Phe280Ile).

NM_002887.4(RARS1):c.838T>A (p.Phe280Ile)

Gene: RARS1 (arginyl-tRNA synthetase 1; plus strand). Cytogenetic location: 5q34.
Variant type: single nucleotide variant.
Coding change: c.838T>A on transcript NM_002887.4 (MANE Select); coding-DNA position 838, T replaced by A.
Protein change: p.Phe280Ile; replaces phenylalanine 280 with isoleucine.
Molecular consequence: missense variant.
Genome position (GRCh38, 1-based): chr5:168,500,606, T>A. VCF-style: chr5-168500606-T-A. GRCh37 (hg19) VCF-style: chr5-167927611-T-A.
Other names: short protein forms F280I.
Identifiers: ClinVar variation 2002879 (VCV002002879.4), dbSNP rs2152904574, ClinGen allele CA362080631.
Genomic context (GRCh38, chr5:168,500,606, plus strand): 5'-AGATCTTTTTACACACCTTACTTTTTAAAATATATATATATACAGGAATCTAAGAAGAGG[T>A]TTGATACTGAGGAGGAATTTAAGAAGCGAGCATATCAGTGTGTAGTTCTGCTCCAGGGTA-3'
Protein context (NP_002878.2, residues 270-290): QVFYKESKKR[Phe280Ile]DTEEEFKKRA